The following is an entry in ClinVar:

NM_030958.3(SLCO5A1):c.2025-3T>C

Gene: SLCO5A1 (solute carrier organic anion transporter family member 5A1; minus strand). Cytogenetic location: 8q13.3.
Variant type: single nucleotide variant.
Coding change: c.2025-3T>C on transcript NM_030958.3 (MANE Select); 3 bases into the intron before coding-DNA position 2025, T replaced by C.
Molecular consequence: intron variant.
Genome position (GRCh38, 1-based): chr8:69,676,676, A>G on the plus strand (T>C on the coding strand, the complement: SLCO5A1 is on the minus strand). VCF-style: chr8-69676676-A-G. GRCh37 (hg19) VCF-style: chr8-70588911-A-G.
Other names: c.2024+2702T>C (NM_001146008.2); c.1860-3T>C (NM_001146009.1).
Identifiers: ClinVar variation 1470818 (VCV001470818.6), dbSNP rs2130784568, ClinGen allele CA2573143482.
Genomic context (GRCh38, chr8:69,676,676, plus strand): 5'-TCGCAACAAAACAAACTGCATTCCCAGTGCAAAAGGTCTCTCCTCATCTTCTACGGACCT[A>G]CAGTGAAGGGAAAGAAGGAAATGCATTTTAAATAGTAGCCCCAAGAAAATGAATGTCAAA-3'

ClinVar aggregate classification (germline): Uncertain significance (1 of 4 stars; one submission).

Allele frequency attached by ClinVar (database versions not stated): gnomAD exomes below 0.00001.
gnomAD v4.1: 2 of 1,609,266 alleles (0.00012%); highest among the groups gnomAD compares: Non-Finnish European, 0.00017%; no homozygotes.

Submission:

Labcorp Genetics (formerly Invitae), Labcorp
Classification: Uncertain significance. Last evaluated: 2021-08-31. Review status: criteria provided, single submitter. Criteria: Invitae Variant Classification Sherloc (09022015). Collection method: clinical testing. Allele origin: germline.
Comment: In summary, the available evidence is currently insufficient to determine the role of this variant in disease. Therefore, it has been classified as a Variant of Uncertain Significance. Variants that disrupt the consensus splice site are a relatively common cause of aberrant splicing (PMID: 17576681, 9536098). Algorithms developed to predict the effect of sequence changes on RNA splicing suggest that this variant is not likely to affect RNA splicing. This variant has not been reported in the literature in individuals affected with SLCO5A1-related conditions. This variant is not present in population databases (ExAC no frequency). This sequence change falls in intron 8 of the SLCO5A1 gene. It does not directly change the encoded amino acid sequence of the SLCO5A1 protein. It affects a nucleotide within the consensus splice site of the intron.

Literature cited by the submitters: PubMed 17576681; PubMed 9536098.